The following is an entry in ClinVar:

NM_004656.4(BAP1):c.626T>A (p.Val209Asp)

Gene: BAP1 (BRCA1 associated deubiquitinase 1; minus strand). Cytogenetic location: 3p21.1.
Variant type: single nucleotide variant.
Coding change: c.626T>A on transcript NM_004656.4 (MANE Select); coding-DNA position 626, T replaced by A.
Protein change: p.Val209Asp; replaces valine 209 with aspartic acid.
Molecular consequence: missense variant.
Genome position (GRCh38, 1-based): chr3:52,406,862, A>T on the plus strand (T>A on the coding strand, the complement: BAP1 is on the minus strand). VCF-style: chr3-52406862-A-T. GRCh37 (hg19) VCF-style: chr3-52440878-A-T.
Other names: c.626T>A, p.Val209Asp (NM_001410772.1); short protein forms V209D.
Identifiers: ClinVar variation 3477271 (VCV003477271.1).
Genomic context (GRCh38, chr3:52,406,862, plus strand): 5'-AGAACAGGGCAGGCACAGGGCCCTTACCCTGCAGTGGCGAGGCCGATACGCTCCATGATG[A>T]CCCGCCGGGCCTTGTCTGTCCACTCCTCGTCCTCCCCCCAGGGCCCTAGTGGAGACCAAG-3'
Protein context (NP_004647.1, residues 199-219): DEEWTDKARR[Val209Asp]IMERIGLATA

ClinVar aggregate classification (germline): Uncertain significance (1 of 4 stars; one submission).

Conditions:
Hereditary cancer-predisposing syndrome. Also called: Tumor predisposition; Neoplastic Syndromes, Hereditary; Hereditary neoplastic syndrome; Hereditary Cancer Syndrome. Identifiers: Orphanet 140162, MedGen C0027672, MeSH D009386, MONDO:0015356.

Submission:

Ambry Genetics
Classification: Uncertain significance for Hereditary cancer-predisposing syndrome. Last evaluated: 2024-07-01. Review status: criteria provided, single submitter. Criteria: Ambry Variant Classification Scheme 2023. Collection method: clinical testing. Allele origin: germline.
Comment: The p.V209D variant (also known as c.626T>A), located in coding exon 8 of the BAP1 gene, results from a T to A substitution at nucleotide position 626. The valine at codon 209 is replaced by aspartic acid, an amino acid with highly dissimilar properties. This amino acid position is conserved. In addition, this alteration is predicted to be deleterious by in silico analysis. Based on the available evidence, the clinical significance of this variant remains unclear.